The following is an entry in ClinVar:

ClinVar aggregate classification (germline): Conflicting classifications of pathogenicity. Review status: criteria provided, conflicting classifications (1 of 4 stars). 4 submissions from 4 submitters: Uncertain significance (3); Likely benign (1). Last evaluated 2022-08-21.

Conditions:
Rafiq syndrome (RAFQS). Identifiers: Orphanet 88616, MedGen C3280127, MONDO:0013624, OMIM 614202.
Inborn genetic diseases. Identifiers: MedGen C0950123, MeSH D030342.

Allele frequency attached by ClinVar (database versions not stated): gnomAD 0.00046 and 0.00042; gnomAD exomes 0.00012 and 0.00004; 1000 Genomes Project 0.00020; 1000 Genomes Project 30x 0.00031; ESP Exome Variant Server 0.00077; ExAC 0.00012; TOPMed 0.00049.
gnomAD v4.1: 129 of 1,613,424 alleles (0.008%); highest among the groups gnomAD compares: African/African-American, 0.14%; no homozygotes.

Submissions (4):

Labcorp Genetics (formerly Invitae), Labcorp
Classification: Uncertain significance for Rafiq syndrome. Last evaluated: 2022-08-21. Review status: criteria provided, single submitter. Criteria: Invitae Variant Classification Sherloc (09022015). Collection method: clinical testing. Allele origin: germline.
Comment: This sequence change replaces arginine, which is basic and polar, with cysteine, which is neutral and slightly polar, at codon 582 of the MAN1B1 protein (p.Arg582Cys). This variant is present in population databases (rs142406504, gnomAD 0.1%). This variant has not been reported in the literature in individuals affected with MAN1B1-related conditions. ClinVar contains an entry for this variant (Variation ID: 211421). Algorithms developed to predict the effect of missense changes on protein structure and function are either unavailable or do not agree on the potential impact of this missense change (SIFT: "Tolerated"; PolyPhen-2: "Possibly Damaging"; Align-GVGD: "Class C15"). In summary, the available evidence is currently insufficient to determine the role of this variant in disease. Therefore, it has been classified as a Variant of Uncertain Significance.

Ambry Genetics
Classification: Likely benign for Inborn genetic diseases. Last evaluated: 2021-12-07. Review status: criteria provided, single submitter. Criteria: Ambry Variant Classification Scheme 2023. Collection method: clinical testing. Allele origin: germline.

Eurofins Ntd Llc (ga)
Classification: Uncertain significance. Last evaluated: 2017-04-03. Review status: criteria provided, single submitter. Criteria: EGL Classification Definitions 2015. Collection method: clinical testing. Allele origin: germline. Observed: 1 variant allele, 1 heterozygote.

Genetic Services Laboratory, University of Chicago
Classification: Uncertain significance. Last evaluated: 2015-05-05. Review status: criteria provided, single submitter. Criteria: ACMG Guidelines, 2015. Collection method: clinical testing. Allele origin: germline.

NM_016219.5(MAN1B1):c.1744C>T (p.Arg582Cys)

Gene: MAN1B1 (mannosidase alpha class 1B member 1; plus strand). Cytogenetic location: 9q34.3.
Variant type: single nucleotide variant.
Coding change: c.1744C>T on transcript NM_016219.5 (MANE Select); coding-DNA position 1744, C replaced by T.
Protein change: p.Arg582Cys; replaces arginine 582 with cysteine.
Molecular consequence: missense variant. On other transcripts: non-coding transcript variant (2).
Genome position (GRCh38, 1-based): chr9:137,107,427, C>T. VCF-style: chr9-137107427-C-T. GRCh37 (hg19) VCF-style: chr9-140001879-C-T.
Other names: short protein forms R582C.
Identifiers: ClinVar variation 211421 (VCV000211421.12), dbSNP rs142406504, ClinGen allele CA205608.